The following is an entry in ClinVar:

NM_000492.4(CFTR):c.2981T>G (p.Phe994Cys)

Genes: CFTR (CF transmembrane conductance regulator; plus strand), CFTR-AS2 (CFTR antisense RNA 2; minus strand). Cytogenetic location: 7q31.2.
Variant type: single nucleotide variant.
Coding change: c.2981T>G on transcript NM_000492.4 (MANE Select); coding-DNA position 2981, T replaced by G.
Protein change: p.Phe994Cys; replaces phenylalanine 994 with cysteine.
Molecular consequence: missense variant.
Genome position (GRCh38, 1-based): chr7:117,606,746, T>G. VCF-style: chr7-117606746-T-G. GRCh37 (hg19) VCF-style: chr7-117246800-T-G.
Other names: short protein forms F994C.
Identifiers: ClinVar variation 53612 (VCV000053612.22), dbSNP rs397508469, ClinGen allele CA326995.

ClinVar aggregate classification (germline): Uncertain significance. Review status: criteria provided, multiple submitters, no conflicts (2 of 4 stars). 8 submissions from 8 submitters: Uncertain significance (6). 2 of the submissions do not count toward it. Last evaluated 2025-08-21.

Conditions:
CFTR-related disorder (CFTR-RD). Also called: CFTR-related disorders; CFTR-related condition. Identifiers: MedGen C5924204, MONDO:7770004.
Cystic fibrosis (CF). Also called: MUCOVISCIDOSIS. Identifiers: Orphanet 586, MedGen C0010674, MONDO:0009061, OMIM 219700. Disease mechanism: loss of function.

Allele frequency attached by ClinVar (database versions not stated): gnomAD exomes below 0.00001 and 0.00001; TOPMed 0.00005; ExAC 0.00001; gnomAD 0.00001.

Submissions (8):

Women's Health and Genetics/Laboratory Corporation of America, LabCorp
Classification: Uncertain significance. Last evaluated: 2025-08-21. Review status: criteria provided, single submitter. Criteria: LabCorp Variant Classification Summary - May 2015. Collection method: clinical testing. Allele origin: germline.
Comment: Variant summary: CFTR c.2981T>G (p.Phe994Cys) results in a non-conservative amino acid change located in the transmembrane domain (IPR011527) of the encoded protein sequence. Algorithms developed to predict the effect of missense changes on protein structure and function all suggest that this variant is likely to be disruptive. The variant allele was found at a frequency of 4e-06 in 251096 control chromosomes. The available data on variant occurrences in the general population are insufficient to allow any conclusion about variant significance. These reports therefore do not provide unequivocal conclusions about association of the variant with Cystic Fibrosis. To our knowledge, no experimental evidence demonstrating an impact on protein function has been reported. The following publications have been ascertained in the context of this evaluation (PMID: 28603918, 20059485, 25735457). ClinVar contains an entry for this variant (Variation ID: 53612). Based on the evidence outlined above, the variant was classified as uncertain significance.

Ambry Genetics
Classification: Uncertain significance for Cystic fibrosis. Last evaluated: 2024-09-16. Review status: criteria provided, single submitter. Criteria: Ambry Variant Classification Scheme 2023. Collection method: clinical testing. Allele origin: germline.
Comment: The p.F994C variant (also known as c.2981T>G), located in coding exon 18 of the CFTR gene, results from a T to G substitution at nucleotide position 2981. The phenylalanine at codon 994 is replaced by cysteine, an amino acid with highly dissimilar properties. This variant was reported in conjunction with (TG)12-5T in an individual in the CFTR-France database who was diagnosed with congenital bilateral absence of vas deferens (CBAVD) however phase information was limited (Claustres M et al. Hum. Mutat., 2017 10;38:1297-1315). This amino acid position is well conserved in available vertebrate species. In addition, this alteration is predicted to be deleterious by in silico analysis. Based on the available evidence, the clinical significance of this variant remains unclear.

Labcorp Genetics (formerly Invitae), Labcorp
Classification: Uncertain significance for Cystic fibrosis. Last evaluated: 2021-10-30. Review status: criteria provided, single submitter. Criteria: Invitae Variant Classification Sherloc (09022015). Collection method: clinical testing. Allele origin: germline.
Comment: This sequence change replaces phenylalanine, which is neutral and non-polar, with cysteine, which is neutral and slightly polar, at codon 994 of the CFTR protein (p.Phe994Cys). This variant is present in population databases (rs397508469, gnomAD 0.0009%). This missense change has been observed in individual(s) with cystic fibrosis (PMID: 28603918). ClinVar contains an entry for this variant (Variation ID: 53612). Algorithms developed to predict the effect of missense changes on protein structure and function are either unavailable or do not agree on the potential impact of this missense change (SIFT: "Deleterious"; PolyPhen-2: "Benign"; Align-GVGD: "Class C0"). In summary, the available evidence is currently insufficient to determine the role of this variant in disease. Therefore, it has been classified as a Variant of Uncertain Significance.

Genome-Nilou Lab
Classification: Uncertain significance for Cystic fibrosis. Last evaluated: 2021-09-05. Review status: criteria provided, single submitter. Criteria: ACMG Guidelines, 2015. Collection method: clinical testing. Allele origin: germline. Affected: no.

ARUP Laboratories, Molecular Genetics and Genomics, ARUP Laboratories
Classification: Uncertain significance. Last evaluated: 2019-01-28. Review status: criteria provided, single submitter. Criteria: ARUP Molecular Germline Variant Investigation Process. Collection method: clinical testing. Allele origin: germline.
Comment: The CFTR c.2981T>G; p.Phe994Cys variant (rs397508469) is reported in an individual with congenital bilateral absence of the vas deferens (CBAVD) who also carries 5T on the same allele and F508del on the other allele (see database link). This variant is reported as uncertain in ClinVar (Variation ID: 53612). This variant is only observed on one allele in the Genome Aggregation Database, indicating it is not a common polymorphism. The phenylalanine at codon 994 is highly conserved, and computational analyses (SIFT, PolyPhen-2) predict that this variant is deleterious. However, given the lack of clinical and functional data, the significance of this variant is uncertain at this time. REFERENCES Link to SickKids database

Eurofins Ntd Llc (ga)
Classification: Uncertain significance. Last evaluated: 2018-08-09. Review status: criteria provided, single submitter. Criteria: EGL ClinVar v180209 classification definitions. Collection method: clinical testing. Allele origin: germline. Observed: 1 variant allele, 1 heterozygote.

Natera, Inc.
Classification: Uncertain significance for CFTR-related disorders. Last evaluated: 2018-10-08. Review status: no assertion criteria provided. Collection method: clinical testing. Allele origin: germline. Not counted in ClinVar's aggregate classification.

ClinVar Staff, National Center for Biotechnology Information (NCBI)
No classification provided. Condition: CFTR-related disorders. Review status: no classification provided. Collection method: literature only. Allele origin: germline. Affected: yes. Not counted in ClinVar's aggregate classification.

Literature cited by the submitters: PubMed 20059485 (cited by Women's Health and Genetics/Laboratory Corporation of America, LabCorp and ClinVar Staff, National Center for Biotechnology Information (NCBI)); PubMed 25735457 (cited by Women's Health and Genetics/Laboratory Corporation of America, LabCorp); PubMed 28603918 (cited by 3 submitters); PubMed 33572515 (cited by Ambry Genetics).